The following is an entry in ClinVar:

NM_020937.4(FANCM):c.2452A>G (p.Ile818Val)

Gene: FANCM (FA complementation group M; plus strand). Cytogenetic location: 14q21.2.
Variant type: single nucleotide variant.
Coding change: c.2452A>G on transcript NM_020937.4 (MANE Select); coding-DNA position 2452, A replaced by G.
Protein change: p.Ile818Val; replaces isoleucine 818 with valine.
Molecular consequence: missense variant.
Genome position (GRCh38, 1-based): chr14:45,175,206, A>G. VCF-style: chr14-45175206-A-G. GRCh37 (hg19) VCF-style: chr14-45644409-A-G.
Other names: c.2452A>G (LRG_502t1, NM_020937.3); c.2374A>G, p.Ile792Val (NM_001308133.2); short protein forms I818V, I792V.
Identifiers: ClinVar variation 546738 (VCV000546738.59), dbSNP rs199948045, ClinGen allele CA7169354.

ClinVar aggregate classification (germline): Conflicting classifications of pathogenicity. Review status: criteria provided, conflicting classifications (1 of 4 stars). 8 submissions from 8 submitters: Uncertain significance (7); Likely benign (1). Last evaluated 2025-12-17.

Conditions:
Spermatogenic failure 28. Identifiers: MedGen C4748117, MONDO:0054732, OMIM 618086.
Premature ovarian failure 15. Identifiers: MedGen C4748170, MONDO:0054862, OMIM 618096.
Hereditary cancer-predisposing syndrome. Also called: Hereditary Cancer Syndrome; Tumor predisposition; Neoplastic Syndromes, Hereditary; Hereditary neoplastic syndrome. Identifiers: Orphanet 140162, MedGen C0027672, MeSH D009386, MONDO:0015356.
Fanconi anemia (FA). Also called: Fanconi's anemia. Identifiers: Orphanet 84, MedGen C0015625, MeSH D005199, MONDO:0019391.

Allele frequency attached by ClinVar (database versions not stated): gnomAD 0.00006 and 0.00007; 1000 Genomes Project 0.00060; 1000 Genomes Project 30x 0.00062; gnomAD exomes 0.00006 and 0.00016; ESP Exome Variant Server 0.00008; TOPMed 0.00011; ExAC 0.00017.
gnomAD v4.1: 117 of 1,612,292 alleles (0.0073%); highest among the groups gnomAD compares: Middle Eastern, 0.066%; 1 homozygote.

Submissions (8):

Labcorp Genetics (formerly Invitae), Labcorp
Classification: Uncertain significance for Fanconi anemia. Last evaluated: 2025-12-17. Review status: criteria provided, single submitter. Criteria: Invitae Variant Classification Sherloc (09022015). Collection method: clinical testing. Allele origin: germline.
Comment: This sequence change replaces isoleucine, which is neutral and non-polar, with valine, which is neutral and non-polar, at codon 818 of the FANCM protein (p.Ile818Val). This variant is present in population databases (rs199948045, gnomAD 0.04%). This missense change has been observed in individual(s) with pulmonary fibrosis and/or renal clear cell carcinoma (PMID: 26689913, 30995915). ClinVar contains an entry for this variant (Variation ID: 546738). An algorithm developed to predict the effect of missense changes on protein structure and function (PolyPhen-2) suggests that this variant is likely to be tolerated. In summary, the available evidence is currently insufficient to determine the role of this variant in disease. Therefore, it has been classified as a Variant of Uncertain Significance.

Quest Diagnostics Nichols Institute San Juan Capistrano
Classification: Uncertain significance. Last evaluated: 2025-09-04. Review status: criteria provided, single submitter. Criteria: Quest Diagnostics criteria. Collection method: clinical testing. Allele origin: unknown.
Comment: The FANCM c.2452A>G (p.Ile818Val) variant has been reported in individuals with breast cancer (PMID: 26689913 (2015), 33471991 (2021), 36707629 (2023), see also LOVD), ovarian cancer (PMID: 39907309 (2025)), pancreatic cancer (PMID: 39256447 (2024)), and familial pulmonary fibrosis (PMID: 30995915 (2019)). In addition, the variant was also found in reportedly unaffected individuals (PMID: 36707629 (2023), 33471991 (2021), see also LOVD). The frequency of this variant in the general population (Genome Aggregation Database) is uninformative in the assessment of its pathogenicity. Analysis of this variant using bioinformatics tools for the prediction of the effect of amino acid changes on protein structure and function yielded predictions that this variant is benign. Based on the available information, we are unable to determine the clinical significance of this variant.

GeneDx
Classification: Uncertain significance. Last evaluated: 2025-07-23. Review status: criteria provided, single submitter. Criteria: GeneDx Variant Classification Process June 2021. Collection method: clinical testing. Allele origin: germline. Affected: yes.
Comment: In silico analysis suggests that this missense variant does not alter protein structure/function; This variant is associated with the following publications: (PMID: 26689913, 33471991, 30995915)

Laboratorio de I+D, Fundación Centro Médico de Asturias
Classification: Likely benign for Hereditary cancer-predisposing syndrome. Last evaluated: 2025-07-10. Review status: criteria provided, single submitter. Criteria: ACMG Guidelines, 2015. Collection method: clinical testing. Allele origin: germline.
Comment: BP4_Strong+BP1+BP3+PM2_Supporting

Fulgent Genetics
Classification: Uncertain significance for Spermatogenic failure 28; Premature ovarian failure 15. Last evaluated: 2022-03-13. Review status: criteria provided, single submitter. Criteria: ACMG Guidelines, 2015. Collection method: clinical testing. Allele origin: unknown.

Department of Pathology and Laboratory Medicine, Sinai Health System
Classification: Uncertain significance for Spermatogenic failure 28; Premature ovarian failure 15. Last evaluated: 2021-07-30. Review status: criteria provided, single submitter. Criteria: ACMG Guidelines, 2015. Collection method: research. Allele origin: germline.

Sema4
Classification: Uncertain significance for Hereditary cancer-predisposing syndrome. Last evaluated: 2021-07-14. Review status: criteria provided, single submitter. Criteria: Sema4 Curation Guidelines. Collection method: curation. Allele origin: germline.
Comment: The FANCM c.2452A>G (p.I818V) variant has not been reported in the literature to our knowledge. It was observed in 15/34404 chromosomes of the Latino subpopulation, with no homozygotes, in the large and broad cohorts of the Genome Aggregation Database. The variant has been reported in ClinVar (Variation ID 546738). Functional studies have not been performed and in silico tool predictions of the variants effect on protein function are inconclusive. The evidence is insufficient to meet ACMG/AMP criteria for classifying the variant as benign or pathogenic. Thus, the clinical significance of this variant is currently uncertain.

CeGaT Center for Human Genetics Tuebingen
Classification: Uncertain significance. Last evaluated: 2017-12-01. Review status: criteria provided, single submitter. Criteria: CeGaT Center For Human Genetics Tuebingen Variant Classification Criteria Version 2. Collection method: clinical testing. Allele origin: germline. Affected: yes. Observed: 1 variant allele.

Literature cited by the submitters: PubMed 26689913 (cited by Labcorp Genetics (formerly Invitae), Labcorp and Quest Diagnostics Nichols Institute San Juan Capistrano); PubMed 30995915 (cited by Labcorp Genetics (formerly Invitae), Labcorp and Quest Diagnostics Nichols Institute San Juan Capistrano); PubMed 39256447 (cited by Quest Diagnostics Nichols Institute San Juan Capistrano); PubMed 36707629 (cited by Quest Diagnostics Nichols Institute San Juan Capistrano); PubMed 32235514 (cited by Quest Diagnostics Nichols Institute San Juan Capistrano); PubMed 39907309 (cited by Quest Diagnostics Nichols Institute San Juan Capistrano); PubMed 33471991 (cited by Quest Diagnostics Nichols Institute San Juan Capistrano).